The following is an entry in ClinVar:

NM_001081.4(CUBN):c.1474G>T (p.Val492Phe)

Gene: CUBN (cubilin; minus strand). Cytogenetic location: 10p13.
Variant type: single nucleotide variant.
Coding change: c.1474G>T on transcript NM_001081.4 (MANE Select); coding-DNA position 1474, G replaced by T.
Protein change: p.Val492Phe; replaces valine 492 with phenylalanine.
Molecular consequence: missense variant.
Genome position (GRCh38, 1-based): chr10:17,103,181, C>A on the plus strand (G>T on the coding strand, the complement: CUBN is on the minus strand). VCF-style: chr10-17103181-C-A. GRCh37 (hg19) VCF-style: chr10-17145180-C-A.
Other names: short protein forms V492F.
Identifiers: ClinVar variation 1389182 (VCV001389182.6), dbSNP rs753563615, ClinGen allele CA376160303.

ClinVar aggregate classification (germline): Uncertain significance (1 of 4 stars; one submission).

Conditions:
Imerslund-Grasbeck syndrome. Also called: ENTEROCYTE COBALAMIN MALABSORPTION; ENTEROCYTE INTRINSIC FACTOR RECEPTOR, DEFECT OF; PERNICIOUS ANEMIA, JUVENILE, DUE TO SELECTIVE INTESTINAL MALABSORPTION OF VITAMIN B12, WITH PROTEINURIA; Imerslund-Gräsbeck syndrome; Megaloblastic anemia due to inborn errors of metabolism. Identifiers: Orphanet 35858, MedGen C4551825, MONDO:0009853.

Submission:

Labcorp Genetics (formerly Invitae), Labcorp
Classification: Uncertain significance for Imerslund-Grasbeck syndrome. Last evaluated: 2021-11-05. Review status: criteria provided, single submitter. Criteria: Invitae Variant Classification Sherloc (09022015). Collection method: clinical testing. Allele origin: germline.
Comment: This sequence change replaces valine, which is neutral and non-polar, with phenylalanine, which is neutral and non-polar, at codon 492 of the CUBN protein (p.Val492Phe). This variant is not present in population databases (gnomAD no frequency). This variant has not been reported in the literature in individuals affected with CUBN-related conditions. Algorithms developed to predict the effect of missense changes on protein structure and function (SIFT, PolyPhen-2, Align-GVGD) all suggest that this variant is likely to be tolerated. In summary, the available evidence is currently insufficient to determine the role of this variant in disease. Therefore, it has been classified as a Variant of Uncertain Significance.